The following is an entry in ClinVar:

ClinVar aggregate classification (germline): Uncertain significance. Review status: criteria provided, multiple submitters, no conflicts (2 of 4 stars). 2 submissions from 2 submitters: Uncertain significance (2). Last evaluated 2025-08-18.

Allele frequency attached by ClinVar (database versions not stated): gnomAD exomes 0.00004 and 0.00006; TOPMed 0.00004; ESP Exome Variant Server 0.00008; gnomAD 0.00002; ExAC 0.00004.
gnomAD v4.1: 60 of 1,540,888 alleles (0.0039%); highest among the groups gnomAD compares: South Asian, 0.015%; no homozygotes.

Submissions (2):

Labcorp Genetics (formerly Invitae), Labcorp
Classification: Uncertain significance. Last evaluated: 2025-08-18. Review status: criteria provided, single submitter. Criteria: Invitae Variant Classification Sherloc (09022015). Collection method: clinical testing. Allele origin: germline.
Comment: This sequence change replaces arginine, which is basic and polar, with tryptophan, which is neutral and slightly polar, at codon 274 of the FSCN2 protein (p.Arg274Trp). This variant is present in population databases (rs372368597, gnomAD 0.02%). This variant has not been reported in the literature in individuals affected with FSCN2-related conditions. ClinVar contains an entry for this variant (Variation ID: 1055838). An algorithm developed to predict the effect of missense changes on protein structure and function (PolyPhen-2) suggests that this variant is likely to be disruptive. In summary, the available evidence is currently insufficient to determine the role of this variant in disease. Therefore, it has been classified as a Variant of Uncertain Significance.

Ambry Genetics
Classification: Uncertain significance. Last evaluated: 2024-10-08. Review status: criteria provided, single submitter. Criteria: Ambry Variant Classification Scheme 2023. Collection method: clinical testing. Allele origin: germline.

NM_012418.4(FSCN2):c.820C>T (p.Arg274Trp)

Gene: FSCN2 (fascin actin-bundling protein 2, retinal; plus strand). Cytogenetic location: 17q25.3.
Variant type: single nucleotide variant.
Coding change: c.820C>T on transcript NM_012418.4 (MANE Select); coding-DNA position 820, C replaced by T.
Protein change: p.Arg274Trp; replaces arginine 274 with tryptophan.
Molecular consequence: missense variant.
Genome position (GRCh38, 1-based): chr17:81,529,351, C>T. VCF-style: chr17-81529351-C-T. GRCh37 (hg19) VCF-style: chr17-79496377-C-T.
Other names: c.820C>T, p.Arg274Trp (NM_001077182.3); c.820C>T (NM_001077182.2); short protein forms R274W.
Identifiers: ClinVar variation 1055838 (VCV001055838.10), dbSNP rs372368597, ClinGen allele CA8836784.